The following is an entry in ClinVar:

ClinVar aggregate classification (germline): Likely benign (1 of 4 stars; one submission).

Allele frequency attached by ClinVar (database versions not stated): 1000 Genomes Project 30x 0.00219.
gnomAD v4.1: 5,423 of 1,613,834 alleles (0.34%); highest among the groups gnomAD compares: Middle Eastern, 0.46%; 11 homozygotes.

Submission:

CeGaT Center for Human Genetics Tuebingen
Classification: Likely benign. Last evaluated: 2023-03-01. Review status: criteria provided, single submitter. Criteria: CeGaT Center For Human Genetics Tuebingen Variant Classification Criteria Version 2. Collection method: clinical testing. Allele origin: germline. Affected: yes. Observed: 1 variant allele.
Comment: PCDHA6: BP4, BP7

NM_018909.4(PCDHA6):c.1716T>C (p.Gly572=)

Genes: PCDHA1 (protocadherin alpha 1; plus strand), PCDHA2 (protocadherin alpha 2; plus strand), PCDHA3 (protocadherin alpha 3; plus strand), PCDHA4 (protocadherin alpha 4; plus strand), PCDHA5 (protocadherin alpha 5; plus strand) and 2 more. Cytogenetic location: 5q31.3.
Variant type: single nucleotide variant.
Coding change: c.1716T>C on transcript NM_018909.4 (MANE Select); coding-DNA position 1716, T replaced by C.
Protein change: p.Gly572=; no amino-acid change (glycine 572 retained).
Molecular consequence: synonymous variant. On other transcripts: intron variant (7).
Genome position (GRCh38, 1-based): chr5:140,829,807, T>C. VCF-style: chr5-140829807-T-C. GRCh37 (hg19) VCF-style: chr5-140209392-T-C.
Other names: c.1716T>C, p.Gly572= (NM_031848.3); c.2394+41123T>C (NM_018900.4); c.1602+41915T>C (NM_031411.3); c.2388+32455T>C (NM_018905.3); c.2394+26216T>C (NM_018906.3); c.2385+20235T>C (NM_018907.4); c.2352+5680T>C (NM_018908.3); c.1602+114T>C (NM_031849.3).
Identifiers: ClinVar variation 2655759 (VCV002655759.22), dbSNP rs146736705, ClinGen allele CA3448534.